The following is an entry in ClinVar:

ClinVar aggregate classification (germline): Uncertain significance (1 of 4 stars; one submission).

Conditions:
Adenylosuccinate lyase deficiency (ADSLD). Also called: ADSL DEFICIENCY. Identifiers: Orphanet 46, MedGen C0268126, MONDO:0007068, OMIM 103050.

Allele frequency attached by ClinVar (database versions not stated): gnomAD 0.00001.

Submission:

Labcorp Genetics (formerly Invitae), Labcorp
Classification: Uncertain significance for Adenylosuccinate lyase deficiency. Last evaluated: 2024-02-24. Review status: criteria provided, single submitter. Criteria: Invitae Variant Classification Sherloc (09022015). Collection method: clinical testing. Allele origin: germline.
Comment: This variant occurs in a non-coding region of the ADSL gene. It does not change the encoded amino acid sequence of the ADSL protein. The frequency data for this variant in the population databases is considered unreliable, as metrics indicate insufficient coverage at this position in the gnomAD database. This variant has not been reported in the literature in individuals affected with ADSL-related conditions. Experimental studies and prediction algorithms are not available or were not evaluated, and the functional significance of this variant is currently unknown. In summary, the available evidence is currently insufficient to determine the role of this variant in disease. Therefore, it has been classified as a Variant of Uncertain Significance.

NC_000022.11:g.40345560T>C

Gene: ADSL (adenylosuccinate lyase; plus strand). Cytogenetic location: 22q13.1.
Variant type: single nucleotide variant.
Genome position: GRCh38 VCF-style: chr22-40345560-T-C. GRCh37 (hg19) VCF-style: chr22-40741564-T-C.
Identifiers: ClinVar variation 1391582 (VCV001391582.8), dbSNP rs2044103495, ClinGen allele CA2405715361.
Genomic context (GRCh38, chr22:40,345,560, plus strand): 5'-CAGCTCCAGATGAACCCTTTCCTGTGTGATCACCCCACTGGCACTCCAGACTGAACAACA[T>C]AGCAAGACCCTGTCAAAAAAAAAAAAAAGGGGGGGGGCCACTTGAGTGTTTCTATTTCTA-3'